The following is an entry in ClinVar:

ClinVar aggregate classification (germline): Benign. Review status: reviewed by expert panel (3 of 4 stars). 13 submissions from 13 submitters: Benign (1). 12 of the submissions do not count toward it. Last evaluated 2025-01-02.

Conditions:
IDUA-related disorder. Also called: IDUA-related condition.
Mucopolysaccharidosis type 1. Also called: Mucopolysaccharidosis Type I; IDUA deficiency; MPS I. Identifiers: Orphanet 579, MedGen C0023786, MONDO:0001586.

Allele frequency attached by ClinVar (database versions not stated): gnomAD exomes 0.00050 and 0.00155; ExAC 0.00327; ESP Exome Variant Server 0.00535; gnomAD 0.00558 and 0.00596; 1000 Genomes Project 0.00619; TOPMed 0.00625; 1000 Genomes Project 30x 0.00734.
gnomAD v4.1: 1,581 of 1,577,294 alleles (0.1%); highest among the groups gnomAD compares: African/African-American, 1.9%; 15 homozygotes.

Submissions (13):

ClinGen Lysosomal Storage Disorder Variant Curation Expert Panel
Classification: Benign for Mucopolysaccharidosis type 1. Last evaluated: 2025-01-02. Review status: reviewed by expert panel. Criteria: ClinGen LSD ACMG Specifications IDUA V1.0.0. Collection method: curation. Allele origin: germline. Inheritance: Autosomal recessive inheritance.
Comment: The NM_000203.5:c.296C>T variant in IDUA is a missense variant predicted to cause substitution of threonine by isoleucine at amino acid 33 (p.Thr99Ile). The Grpmax Filtering AF (95% confidence) in gnomAD v4.1.0 is 0.01845 in the African/African American population. This is higher than the ClinGen Lysosomal Diseases VCEP’s threshold for BA1 (>0.005), and therefore meets this criterion (BA1). There is a ClinVar entry for this variant (Variation ID: 280992). In summary, this variant meets the criteria to be classified as benign for mucopolysaccharidosis type 1. IDUA-specific ACMG/AMP criteria applied, as specified by the ClinGen Lysosomal Diseases Variant Curation Expert Panel (Specifications Version 1.0.0): BA1. (Classification approved by the ClinGen Lysosomal Diseases Variant Curation Expert Panel on January 2, 2025)

Labcorp Genetics (formerly Invitae), Labcorp
Classification: Benign for Mucopolysaccharidosis type 1. Last evaluated: 2026-02-04. Review status: criteria provided, single submitter. Criteria: Invitae Variant Classification Sherloc (09022015). Collection method: clinical testing. Allele origin: germline. Not counted in ClinVar's aggregate classification.

PreventionGenetics, part of Exact Sciences
Classification: Likely benign for IDUA-related condition. Last evaluated: 2024-11-12. Review status: criteria provided, single submitter. Criteria: ACMG Guidelines, 2015. Collection method: clinical testing. Allele origin: germline. Not counted in ClinVar's aggregate classification.
Comment: This variant is classified as likely benign based on ACMG/AMP sequence variant interpretation guidelines (Richards et al. 2015 PMID: 25741868, with internal and published modifications).

CeGaT Center for Human Genetics Tuebingen
Classification: Benign. Last evaluated: 2023-09-01. Review status: criteria provided, single submitter. Criteria: CeGaT Center For Human Genetics Tuebingen Variant Classification Criteria Version 2. Collection method: clinical testing. Allele origin: germline. Affected: yes. Observed: 1 variant allele. Not counted in ClinVar's aggregate classification.
Comment: IDUA: BP4, BS1, BS2

Women's Health and Genetics/Laboratory Corporation of America, LabCorp
Classification: Benign. Last evaluated: 2021-11-01. Review status: criteria provided, single submitter. Criteria: LabCorp Variant Classification Summary - May 2015. Collection method: clinical testing. Allele origin: germline. Not counted in ClinVar's aggregate classification.
Comment: Variant summary: IDUA c.296C>T (p.Thr99Ile) results in a non-conservative amino acid change in the encoded protein sequence. Four of five in-silico tools predict a benign effect of the variant on protein function. The variant allele was found at a frequency of 0.0021 in 218770 control chromosomes, predominantly at a frequency of 0.021 within the African or African-American subpopulation in the gnomAD database, including 4 homozygotes. The observed variant frequency within African or African-American control individuals in the gnomAD database is approximately 8 fold of the estimated maximal expected allele frequency for a pathogenic variant in IDUA causing Mucopolysaccharidosis Type 1 phenotype (0.0027), strongly suggesting that the variant is a benign polymorphism found primarily in populations of African or African-American origin. . To our knowledge, no experimental evidence demonstrating an impact on protein function has been reported. Seven ClinVar submitters (evaluation after 2014) cite the variant as benign. Based on the evidence outlined above, the variant was classified as benign.

Dubai Health Genomic Medicine Center, Dubai Health
Classification: Benign. Last evaluated: 2020-03-25. Review status: criteria provided, single submitter. Criteria: ACMG Guidelines, 2015. Collection method: clinical testing. Allele origin: germline. Affected: yes. Not counted in ClinVar's aggregate classification.

GeneDx
Classification: Benign. Last evaluated: 2019-12-11. Review status: criteria provided, single submitter. Criteria: GeneDx Variant Classification Process June 2021. Collection method: clinical testing. Allele origin: germline. Affected: yes. Not counted in ClinVar's aggregate classification.
Comment: This variant is associated with the following publications: (PMID: 30442156, 29143201)

Illumina Laboratory Services, Illumina
Classification: Benign for Mucopolysaccharidosis type 1. Last evaluated: 2018-01-13. Review status: criteria provided, single submitter. Criteria: ICSL Variant Classification Criteria 13 December 2019. Collection method: clinical testing. Allele origin: germline. Not counted in ClinVar's aggregate classification.
Comment: This variant was observed in the ICSL laboratory as part of a predisposition screen in an ostensibly healthy population. It had not been previously curated by ICSL or reported in the Human Gene Mutation Database (HGMD: prior to June 1st, 2018), and was therefore a candidate for classification through an automated scoring system. Utilizing variant allele frequency, disease prevalence and penetrance estimates, and inheritance mode, an automated score was calculated to assess if this variant is too frequent to cause the disease. Based on the score and internal cut-off values, a variant classified as benign is not then subjected to further curation. The score for this variant resulted in a classification of benign for this disease.

Eurofins Ntd Llc (ga)
Classification: Benign. Last evaluated: 2017-08-25. Review status: criteria provided, single submitter. Criteria: EGL Classification Definitions 2015. Collection method: clinical testing. Allele origin: germline. Observed: 10 variant alleles, 9 heterozygotes, 1 homozygote. Not counted in ClinVar's aggregate classification.

Center for Pediatric Genomic Medicine, Children's Mercy Hospital and Clinics
Classification: Benign. Last evaluated: 2017-01-27. Review status: criteria provided, single submitter. Criteria: ACMG Guidelines, 2015. Collection method: clinical testing. Allele origin: germline. Not counted in ClinVar's aggregate classification.

Breakthrough Genomics
Classification: Benign. Review status: criteria provided, single submitter. Criteria: ACMG Guidelines, 2015. Collection method: not provided. Allele origin: germline. Inheritance: Autosomal recessive inheritance. Affected: yes. Not counted in ClinVar's aggregate classification.

Natera, Inc.
Classification: Benign for Mucopolysaccharidosis type I. Last evaluated: 2017-05-16. Review status: no assertion criteria provided. Collection method: clinical testing. Allele origin: germline. Not counted in ClinVar's aggregate classification.

Mayo Clinic Laboratories, Mayo Clinic
Classification: Benign. Last evaluated: 2016-07-27. Review status: no assertion criteria provided. Collection method: clinical testing. Allele origin: unknown. Not counted in ClinVar's aggregate classification.

Literature cited by the submitters: PubMed 24781210 (cited by Women's Health and Genetics/Laboratory Corporation of America, LabCorp); PubMed 29143201 (cited by Women's Health and Genetics/Laboratory Corporation of America, LabCorp).

NM_000203.5(IDUA):c.296C>T (p.Thr99Ile)

Genes: SLC26A1 (solute carrier family 26 member 1; minus strand), IDUA (alpha-L-iduronidase; plus strand). Cytogenetic location: 4p16.3.
Variant type: single nucleotide variant.
Coding change: c.296C>T on transcript NM_000203.5 (MANE Select); coding-DNA position 296, C replaced by T.
Protein change: p.Thr99Ile; replaces threonine 99 with isoleucine.
Molecular consequence: missense variant. On other transcripts: 3 prime UTR variant (2), non-coding transcript variant (1), intron variant (1).
Genome position (GRCh38, 1-based): chr4:987,946, C>T. VCF-style: chr4-987946-C-T. GRCh37 (hg19) VCF-style: chr4-981734-C-T.
Other names: NM_000203.5(IDUA):c.296C>T; p.Thr99Ile; c.*887G>A (NM_022042.4, NM_213613.4); c.576+3182G>A (NM_134425.4); short protein forms T99I.
Identifiers: ClinVar variation 280992 (VCV000280992.58), dbSNP rs147490060, ClinGen allele CA2801158.
Genomic context (GRCh38, chr4:987,946, plus strand): 5'-CCGTCCCTCACCGCGGCATCAAGCAGGTCCGGACCCACTGGCTGCTGGAGCTTGTCACCA[C>T]CAGGTGGGCGGCGGGCAGGGTCTGGGCGTCCCAGAGCCCCTTACAGAGGCACAGATGGGA-3'
Protein context (NP_000194.2, residues 89-109): RTHWLLELVT[Thr99Ile]RGSTGRGLSY